The following is an entry in ClinVar:

NM_007294.4(BRCA1):c.538A>C (p.Ile180Leu)

Gene: BRCA1 (BRCA1 DNA repair associated; minus strand). Cytogenetic location: 17q21.31.
Variant type: single nucleotide variant.
Coding change: c.538A>C on transcript NM_007294.4 (MANE Select); coding-DNA position 538, A replaced by C.
Protein change: p.Ile180Leu; replaces isoleucine 180 with leucine.
Molecular consequence: missense variant. On other transcripts: non-coding transcript variant (1).
Genome position (GRCh38, 1-based): chr17:43,099,784, T>G on the plus strand (A>C on the coding strand, the complement: BRCA1 is on the minus strand). VCF-style: chr17-43099784-T-G. GRCh37 (hg19) VCF-style: chr17-41251801-T-G.
Other names: c.397A>C, p.Ile133Leu (NM_001408454.1, NM_001408455.1, NM_001408456.1 and 61 more transcripts); c.325A>C, p.Ile109Leu (NM_001407571.1, NM_001408490.1, NM_001408491.1 and 18 more transcripts); c.538A>C, p.Ile180Leu (NM_001407581.1, NM_001407582.1, NM_001407583.1 and 97 more transcripts); c.535A>C, p.Ile179Leu (NM_001407587.1, NM_001407590.1, NM_001407591.1 and 65 more transcripts); c.394A>C, p.Ile132Leu (NM_001408462.1, NM_001408463.1, NM_001408464.1 and 35 more transcripts); c.460A>C, p.Ile154Leu (NM_001408474.1, NM_001408476.1, NM_001407653.1 and 12 more transcripts); c.457A>C, p.Ile153Leu (NM_001408475.1, NM_001407659.1, NM_001407660.1 and 6 more transcripts); c.328A>C, p.Ile110Leu (NM_001408478.1, NM_001408479.1, NM_001408480.1 and 37 more transcripts); and 4 more; short protein forms I180L, I133L, I110L, I179L, I52L, I153L, I109L, I135L.
Identifiers: ClinVar variation 482943 (VCV000482943.9), dbSNP rs1555594803, ClinGen allele CA10601067.
Genomic context (GRCh38, chr17:43,099,784, plus strand): 5'-TAAGGAATCCAGCAATTATTATTAAATACTTAAAAAACCTGAGACCCTTACCCAATTCAA[T>G]GTAGACAGACGTCTTTTGAGGTTGTATCCGCTGCTTTGTCCTCAGAGTTCTCACAGTTCC-3'
Protein context (NP_009225.1, residues 170-190): RIQPQKTSVY[Ile180Leu]ELGSDSSEDT

ClinVar aggregate classification (germline): Uncertain significance. Review status: criteria provided, multiple submitters, no conflicts (2 of 4 stars). 3 submissions from 3 submitters: Uncertain significance (3). Last evaluated 2025-08-20.

Conditions:
Hereditary breast ovarian cancer syndrome. Also called: Hereditary breast and ovarian cancer syndrome; Hereditary breast and ovarian cancer; Hereditary breast and ovarian cancer syndrome (HBOC); Breast and ovarian cancer; Hereditary breast and/or ovarian cancer syndrome; BRCA1- and BRCA2-Associated Hereditary Breast and Ovarian Cancer. Identifiers: Orphanet 145, MedGen C0677776, MeSH D061325, MONDO:0003582. Disease mechanism: loss of function.
BRCA1-related cancer predisposition. Identifiers: MedGen CN377757, MONDO:0700268.
Hereditary cancer-predisposing syndrome. Also called: Neoplastic Syndromes, Hereditary; Tumor predisposition; Hereditary Cancer Syndrome; Hereditary neoplastic syndrome. Identifiers: Orphanet 140162, MedGen C0027672, MeSH D009386, MONDO:0015356.

Allele frequency attached by ClinVar (database versions not stated): gnomAD exomes below 0.00001.
gnomAD v4.1: 1 of 1,607,430 alleles (0.000062%); highest among the groups gnomAD compares: Non-Finnish European, 0.000085%; no homozygotes.

Submissions (3):

Labcorp Genetics (formerly Invitae), Labcorp
Classification: Uncertain significance for Hereditary breast ovarian cancer syndrome. Last evaluated: 2025-08-20. Review status: criteria provided, single submitter. Criteria: Invitae Variant Classification Sherloc (09022015). Collection method: clinical testing. Allele origin: germline.
Comment: This sequence change replaces isoleucine, which is neutral and non-polar, with leucine, which is neutral and non-polar, at codon 180 of the BRCA1 protein (p.Ile180Leu). This variant is not present in population databases (gnomAD no frequency). This variant has not been reported in the literature in individuals affected with BRCA1-related conditions. ClinVar contains an entry for this variant (Variation ID: 482943). Invitae Evidence Modeling of protein sequence and biophysical properties (such as structural, functional, and spatial information, amino acid conservation, physicochemical variation, residue mobility, and thermodynamic stability) indicates that this missense variant is expected to disrupt BRCA1 protein function with a positive predictive value of 80%. In summary, the available evidence is currently insufficient to determine the role of this variant in disease. Therefore, it has been classified as a Variant of Uncertain Significance.

All of Us Research Program, National Institutes of Health
Classification: Uncertain significance for BRCA1-related cancer predisposition. Last evaluated: 2024-06-09. Review status: criteria provided, single submitter. Criteria: ACMG Guidelines, 2015. Collection method: clinical testing. Allele origin: germline. Inheritance: Autosomal dominant inheritance. Observed: 1 variant allele, 1 heterozygote.
Comment: This missense variant replaces isoleucine with leucine at codon 180 of the BRCA1 protein. Computational prediction is inconclusive regarding the impact of this variant on protein structure and function. To our knowledge, functional studies have not been reported for this variant. This variant has not been reported in individuals affected with BRCA1-related disorders in the literature. This variant has not been identified in the general population by the Genome Aggregation Database (gnomAD). The available evidence is insufficient to determine the role of this variant in disease conclusively. Therefore, this variant is classified as a Variant of Uncertain Significance.

This study involves interpretation of variants in research participants for the purpose of population health screening. Participant phenotype was not available at the time of variant classification. Additional details can be found in publication PMID: 35346344, PMCID: PMC8962531

Ambry Genetics
Classification: Uncertain significance for Hereditary cancer-predisposing syndrome. Last evaluated: 2024-02-26. Review status: criteria provided, single submitter. Criteria: Ambry Variant Classification Scheme 2023. Collection method: clinical testing. Allele origin: germline.
Comment: The p.I180L variant (also known as c.538A>C), located in coding exon 6 of the BRCA1 gene, results from an A to C substitution at nucleotide position 538. The isoleucine at codon 180 is replaced by leucine, an amino acid with highly similar properties. This amino acid position is highly conserved in available vertebrate species. In addition, this alteration is predicted to be deleterious by in silico analysis. Since supporting evidence is limited at this time, the clinical significance of this alteration remains unclear.